The following is an entry in ClinVar:

NM_000834.5(GRIN2B):c.1993G>A (p.Gly665Ser)

Gene: GRIN2B (glutamate ionotropic receptor NMDA type subunit 2B; minus strand). Cytogenetic location: 12p13.1.
Variant type: single nucleotide variant.
Coding change: c.1993G>A on transcript NM_000834.5 (MANE Select); coding-DNA position 1993, G replaced by A.
Protein change: p.Gly665Ser; replaces glycine 665 with serine.
Molecular consequence: missense variant.
Genome position (GRCh38, 1-based): chr12:13,608,620, C>T on the plus strand (G>A on the coding strand, the complement: GRIN2B is on the minus strand). VCF-style: chr12-13608620-C-T. GRCh37 (hg19) VCF-style: chr12-13761554-C-T.
Other names: c.1993G>A, p.Gly665Ser (NM_001413992.1); short protein forms G665S.
Identifiers: ClinVar variation 4882790 (VCV004882790.2).

ClinVar aggregate classification (germline): Uncertain significance (1 of 4 stars; one submission).

Conditions:
Developmental and epileptic encephalopathy, 27 (DEE27). Also called: Epileptic encephalopathy, early infantile, 27; GRIN2B-Related Neurodevelopmental Disorder. Identifiers: Orphanet 3451, MedGen C4015316, MONDO:0014505, OMIM 616139.

Submission:

Dasa
Classification: Uncertain significance for Developmental and epileptic encephalopathy, 27. Last evaluated: 2025-02-27. Review status: criteria provided, single submitter. Criteria: DASA Assertion Criteria. Collection method: clinical testing. Allele origin: germline.
Comment: NM_000834.5(GRIN2B):c.1993G>A (p.Gly665Ser) is a missense variant that results in the substitution of glycine with serine. This variant is absent from population databases. The currently available literature and clinical evidence are not sufficient to establish a definitive association between this variant and the reported condition. Therefore, this variant is classified as a variant of uncertain significance.